The following is an entry in ClinVar:

ClinVar aggregate classification (germline): Pathogenic (1 of 4 stars; one submission).

Conditions:
Achondrogenesis, type IB (ACG1B). Also called: Achondrogenesis Type 1B. Identifiers: Orphanet 932, Orphanet 93298, MedGen C0265274, MONDO:0010966, OMIM 600972.
Atelosteogenesis type II (AO2). Also called: NEONATAL OSSEOUS DYSPLASIA I; Neonatal osseous dysplasia 1; SLC26A2-Related Atelosteogenesis. Identifiers: Orphanet 56304, MedGen C1850554, MONDO:0009727, OMIM 256050.
Diastrophic dysplasia (DTD). Also called: Diastrophic dwarfism. Identifiers: Orphanet 628, MedGen C0220726, MONDO:0009107, OMIM 222600.
Multiple epiphyseal dysplasia type 4 (EDM4). Also called: SLC26A2-Related Multiple Epiphyseal Dysplasia; Multiple Epiphyseal Dysplasia, Recessive; MULTIPLE EPIPHYSEAL DYSPLASIA WITH BILAYERED PATELLAE; MULTIPLE EPIPHYSEAL DYSPLASIA WITH CLUBFOOT; MULTIPLE EPIPHYSEAL DYSPLASIA, AUTOSOMAL RECESSIVE. Identifiers: Orphanet 93307, MedGen C1847593, MONDO:0009189, OMIM 226900.

Submission:

Labcorp Genetics (formerly Invitae), Labcorp
Classification: Pathogenic for Atelosteogenesis type II; Multiple epiphyseal dysplasia type 4; Achondrogenesis, type IB; Diastrophic dysplasia. Last evaluated: 2024-02-04. Review status: criteria provided, single submitter. Criteria: Invitae Variant Classification Sherloc (09022015). Collection method: clinical testing. Allele origin: germline.
Comment: This sequence change inserts a large fragment of DNA, likely a transposable element, in exon 3 of the SLC26A2 gene (c.1203_1204ins?), causing a frameshift at codon 402 (p.Glu402fs). The exact size and sequence of the insertion cannot be determined by the current assay. However, the insertion is expected to result in an absent or disrupted protein product. This variant is not present in population databases (gnomAD no frequency). This variant has not been reported in the literature in individuals affected with SLC26A2-related conditions. This variant disrupts a region of the SLC26A2 protein in which other variant(s) (p.Lys575Serfs*10) have been determined to be pathogenic (PMID: 7923357, 8528239, 8571951). This suggests that this is a clinically significant region of the protein, and that variants that disrupt it are likely to be disease-causing. Retrotransposon insertions including LINE1 (L1), Alu, and SVA (SINE-VNTR-Alu) have been reported to disrupt protein function (PMID: 19763152, 20307669, 22406018). However the effect of this particular variant is unknown. For these reasons, this variant has been classified as Pathogenic.

Literature cited by the submitters: PubMed 7923357; PubMed 8528239; PubMed 8571951; PubMed 19763152; PubMed 20307669; PubMed 22406018.

NM_000112.4(SLC26A2):c.1203_1204insTTTTTTTTTTTTTTTTTTTNNNNNNNNNNGACGGGGTTTCACCTTGTTAGCCAGGATGGTCTCGATCTCCTGACCTCATGATCCACCCGCCTCGGCCTCCCAAAGTGCTGGGATTACAGGCGTGAGCCACCGCGCCCGGCCATTTTCT (p.Glu402delinsPhePhePhePhePhePheXaaXaaXaaXaaThrGlyPheHisLeuValSerGlnAspGlyLeuAspLeuLeuThrSerTer)

Gene: SLC26A2 (solute carrier family 26 member 2; plus strand). Cytogenetic location: 5q32.
Variant type: Insertion.
Coding change: c.1203_1204insTTTTTTTTTTTTTTTTTTTNNNNNNNNNNGACGGGGTTTCACCTTGTTAGCCAGGATGGTCTCGATCTCCTGACCTCATGATCCACCCGCCTCGGCCTCCCAAAGTGCTGGGATTACAGGCGTGAGCCACCGCGCCCGGCCATTTTCT on transcript NM_000112.4 (MANE Select); coding-DNA positions 1203 to 1204, TTTTTTTTTTTTTTTTTTTNNNNNNNNNNGACGGGGTTTCACCTTGTTAGCCAGGATGGTCTCGATCTCCTGACCTCATGATCCACCCGCCTCGGCCTCCCAAAGTGCTGGGATTACAGGCGTGAGCCACCGCGCCCGGCCATTTTCT inserted.
Protein change: p.Glu402delinsPhePhePhePhePhePheXaaXaaXaaXaaThrGlyPheHisLeuValSerGlnAspGlyLeuAspLeuLeuThrSerTer.
Molecular consequence: nonsense.
Genome position: GRCh38: chr5:149,980,796-149,980,797. GRCh37 (hg19): chr5:149,360,359-149,360,360.
Identifiers: ClinVar variation 1374813 (VCV001374813.8), dbSNP rs2113698410.